The following is an entry in ClinVar:

ClinVar aggregate classification (germline): Likely pathogenic (1 of 4 stars; one submission).

Conditions:
Charlevoix-Saguenay spastic ataxia (SACS). Also called: SPASTIC ATAXIA 6, AUTOSOMAL RECESSIVE; AUTOSOMAL RECESSIVE SPASTIC ATAXIA OF CHARLEVOIX-SAGUENAY; Spastic ataxia of Charlevoix-Saguenay. Identifiers: Orphanet 98, MedGen C1849140, MONDO:0010041, OMIM 270550.

Submission:

Myriad Genetics, Inc.
Classification: Likely pathogenic for Charlevoix-Saguenay spastic ataxia. Last evaluated: 2022-02-25. Review status: criteria provided, single submitter. Criteria: Myriad Women's Health Autosomal Recessive and X-Linked Classification Criteria (2021). Collection method: clinical testing. Allele origin: unknown.
Comment: NM_014363.4(SACS):c.542delA(K181Rfs*5) is expected to be pathogenic in the context of autosomal recessive spastic ataxia of Charlevoix-Saguenay. This variant is predicted to lead to an abnormal or absent protein product due to the creation of a premature termination codon in SACS, a gene where loss-of-function variants are known to be pathogenic. Please note: this variant was assessed in the context of healthy population screening.

NM_014363.6(SACS):c.542del (p.Lys181fs)

Gene: SACS (sacsin molecular chaperone; minus strand). Cytogenetic location: 13q12.12.
Variant type: Deletion.
Coding change: c.542del on transcript NM_014363.6 (MANE Select); coding-DNA position 542, one base deleted (A; older notation c.542delA).
Protein change: p.Lys181fs; shifts the reading frame from lysine 181.
Molecular consequence: frameshift variant.
Genome position (GRCh38, 1-based): chr13:23,358,397, T deleted on the plus strand (A on the coding strand, the reverse complement: SACS is on the minus strand); the first of 5 consecutive T bases (chr13:23,358,397-23,358,401); deleting any one gives the same sequence. VCF-style (leftmost placement, unchanged base first): chr13-23358396-CT-C. GRCh37 (hg19) VCF-style: chr13-23932535-CT-C.
Other names: c.101del, p.Lys34fs (NM_001278055.2); short protein forms K181fs, K34fs.
Identifiers: ClinVar variation 1724679 (VCV001724679.2), dbSNP rs2542415556, ClinGen allele CA2580086882.